The following is an entry in ClinVar:

ClinVar aggregate classification (germline): Uncertain significance (1 of 4 stars; one submission).

Conditions:
Axenfeld-Rieger syndrome type 3 (RIEG3). Also called: AXENFELD-RIEGER ANOMALY WITH CARDIAC DEFECTS AND/OR SENSORINEURAL HEARING LOSS. Identifiers: Orphanet 782, MedGen C2678503, MONDO:0011233, OMIM 602482.

Allele frequency attached by ClinVar (database versions not stated): gnomAD 0.00001.
gnomAD v4.1: 3 of 1,263,072 alleles (0.00024%); highest among the groups gnomAD compares: Admixed American, 0.0044%; no homozygotes.

Submission:

Labcorp Genetics (formerly Invitae), Labcorp
Classification: Uncertain significance for Axenfeld-Rieger syndrome type 3. Last evaluated: 2025-11-24. Review status: criteria provided, single submitter. Criteria: Invitae Variant Classification Sherloc (09022015). Collection method: clinical testing. Allele origin: germline.
Comment: This sequence change replaces threonine, which is neutral and polar, with isoleucine, which is neutral and non-polar, at codon 392 of the FOXC1 protein (p.Thr392Ile). The frequency data for this variant in the population databases is considered unreliable, as metrics indicate insufficient coverage at this position in the gnomAD database. This variant has not been reported in the literature in individuals affected with FOXC1-related conditions. ClinVar contains an entry for this variant (Variation ID: 2174459). An algorithm developed to predict the effect of missense changes on protein structure and function (PolyPhen-2) suggests that this variant is likely to be tolerated. In summary, the available evidence is currently insufficient to determine the role of this variant in disease. Therefore, it has been classified as a Variant of Uncertain Significance.

NM_001453.3(FOXC1):c.1175C>T (p.Thr392Ile)

Gene: FOXC1 (forkhead box C1; plus strand). Cytogenetic location: 6p25.3.
Variant type: single nucleotide variant.
Coding change: c.1175C>T on transcript NM_001453.3 (MANE Select); coding-DNA position 1175, C replaced by T.
Protein change: p.Thr392Ile; replaces threonine 392 with isoleucine.
Molecular consequence: missense variant.
Genome position (GRCh38, 1-based): chr6:1,611,620, C>T. VCF-style: chr6-1611620-C-T. GRCh37 (hg19) VCF-style: chr6-1611855-C-T.
Other names: short protein forms T392I.
Identifiers: ClinVar variation 2174459 (VCV002174459.4), dbSNP rs1036201687, ClinGen allele CA133391119.